The following is an entry in ClinVar:

NM_020184.4(CNNM4):c.279del (p.Phe93fs)

Gene: CNNM4 (cyclin and CBS domain divalent metal cation transport mediator 4; plus strand). Cytogenetic location: 2q11.2.
Variant type: Deletion.
Coding change: c.279del on transcript NM_020184.4 (MANE Select); coding-DNA position 279, one base deleted (C; older notation c.279delC).
Protein change: p.Phe93fs; shifts the reading frame from phenylalanine 93.
Molecular consequence: frameshift variant.
Genome position (GRCh38, 1-based): chr2:96,761,278, C deleted. VCF-style (leftmost placement, unchanged base first): chr2-96761277-TC-T. GRCh37 (hg19) VCF-style: chr2-97427014-TC-T.
Other names: c.279delC (NM_020184.3); short protein forms F93fs.
Identifiers: ClinVar variation 1069696 (VCV001069696.8), dbSNP rs1447882843, ClinGen allele CA534636401.

ClinVar aggregate classification (germline): Pathogenic. Review status: criteria provided, multiple submitters, no conflicts (2 of 4 stars). 2 submissions from 2 submitters: Pathogenic (2). Last evaluated 2025-01-15.

Conditions:
CNNM4-related disorder. Also called: CNNM4-related condition.

Allele frequency attached by ClinVar (database versions not stated): TOPMed below 0.00001; gnomAD 0.00001; gnomAD exomes 0.00001.

Submissions (2):

PreventionGenetics, part of Exact Sciences
Classification: Pathogenic for CNNM4-related condition. Last evaluated: 2025-01-15. Review status: criteria provided, single submitter. Criteria: ACMG Guidelines, 2015. Collection method: clinical testing. Allele origin: germline.
Comment: The CNNM4 c.279delC variant is predicted to result in a frameshift and premature protein termination (p.Phe93Leufs*31). This variant has been reported in the homozygous state in an individual with Jalili syndrome (Prasov et al. 2020. PubMed ID: 32022389). This variant is reported in 0.0065% of alleles in individuals of European (Non-Finnish) descent in gnomAD. Frameshift variants in CNNM4 are expected to be pathogenic. This variant is interpreted as pathogenic.

Labcorp Genetics (formerly Invitae), Labcorp
Classification: Pathogenic. Last evaluated: 2017-11-25. Review status: criteria provided, single submitter. Criteria: Invitae Variant Classification Sherloc (09022015). Collection method: clinical testing. Allele origin: germline.
Comment: This variant is not present in population databases (ExAC no frequency). For these reasons, this variant has been classified as Pathogenic. Loss-of-function variants in CNNM4 are known to be pathogenic (PMID: 19200525, 19200527). This variant has not been reported in the literature in individuals with CNNM4-related disease. This sequence change creates a premature translational stop signal (p.Phe93Leufs*31) in the CNNM4 gene. It is expected to result in an absent or disrupted protein product.

Literature cited by the submitters: PubMed 19200525 (cited by Labcorp Genetics (formerly Invitae), Labcorp); PubMed 19200527 (cited by Labcorp Genetics (formerly Invitae), Labcorp).